The following is an entry in ClinVar:

NM_000218.3(KCNQ1):c.1951G>A (p.Glu651Lys)

Genes: KCNQ1 (potassium voltage-gated channel subfamily Q member 1; plus strand), KCNQ1-AS1 (KCNQ1 antisense RNA 1; minus strand). Cytogenetic location: 11p15.4.
Variant type: single nucleotide variant.
Coding change: c.1951G>A on transcript NM_000218.3 (MANE Select); coding-DNA position 1951, G replaced by A.
Protein change: p.Glu651Lys; replaces glutamic acid 651 with lysine.
Molecular consequence: missense variant.
Genome position (GRCh38, 1-based): chr11:2,847,923, G>A. VCF-style: chr11-2847923-G-A. GRCh37 (hg19) VCF-style: chr11-2869153-G-A.
Other names: c.1855G>A, p.Glu619Lys (NM_001406836.1); c.1681G>A, p.Glu561Lys (NM_001406837.1); c.1411G>A, p.Glu471Lys (NM_001406838.1); c.463G>A, p.Glu155Lys (NM_001406839.1); c.1570G>A, p.Glu524Lys (NM_181798.2); short protein forms E651K, E524K, E155K, E471K, E561K, E619K.
Identifiers: ClinVar variation 920715 (VCV000920715.6), dbSNP rs1848368295, ClinGen allele CA379140493.

ClinVar aggregate classification (germline): Uncertain significance (1 of 4 stars; one submission).

Conditions:
Cardiac arrhythmia. Also called: Cardiac rhythm disease; Arrhythmia. Identifiers: MedGen C0003811, MONDO:0007263, HP:0011675.

Submission:

Color Diagnostics, LLC DBA Color Health
Classification: Uncertain significance for Cardiac arrhythmia. Last evaluated: 2018-11-28. Review status: criteria provided, single submitter. Criteria: ACMG Guidelines, 2015. Collection method: clinical testing. Allele origin: germline.
Comment: Variant of Uncertain Significance due to insufficient evidence: This missense variant is located in the C-terminal cytoplasmic domain of the KCNQ1 protein. Computational prediction tools and conservation analyses suggest that this variant may not impact the protein function. Computational splicing tools suggest that this variant may not impact RNA splicing. To our knowledge, functional assays have not been performed for this variant nor has this variant been reported in individuals affected with cardiovascular disorders in the literature. This variant is rare in the general population and has been identified in 0/277264 chromosomes by the Genome Aggregation Database (gnomAD). Available evidence is insufficient to determine the pathogenicity of this variant conclusively.